The following is an entry in ClinVar:

ClinVar aggregate classification (germline): Uncertain significance. Review status: criteria provided, multiple submitters, no conflicts (2 of 4 stars). 2 submissions from 2 submitters: Uncertain significance (2). Last evaluated 2024-02-27.

Conditions:
Hereditary nonpolyposis colorectal neoplasms. Identifiers: MedGen C0009405, MeSH D003123.
Hereditary cancer-predisposing syndrome. Also called: Tumor predisposition; Hereditary Cancer Syndrome; Hereditary neoplastic syndrome; Neoplastic Syndromes, Hereditary. Identifiers: Orphanet 140162, MedGen C0027672, MeSH D009386, MONDO:0015356.

Submissions (2):

Labcorp Genetics (formerly Invitae), Labcorp
Classification: Uncertain significance for Hereditary nonpolyposis colorectal neoplasms. Last evaluated: 2024-02-27. Review status: criteria provided, single submitter. Criteria: Invitae Variant Classification Sherloc (09022015). Collection method: clinical testing. Allele origin: germline.
Comment: This sequence change replaces arginine, which is basic and polar, with serine, which is neutral and polar, at codon 820 of the MSH6 protein (p.Arg820Ser). This variant is not present in population databases (gnomAD no frequency). This variant has not been reported in the literature in individuals affected with MSH6-related conditions. ClinVar contains an entry for this variant (Variation ID: 486894). Advanced modeling of protein sequence and biophysical properties (such as structural, functional, and spatial information, amino acid conservation, physicochemical variation, residue mobility, and thermodynamic stability) performed at Invitae indicates that this missense variant is expected to disrupt MSH6 protein function with a positive predictive value of 80%. In summary, the available evidence is currently insufficient to determine the role of this variant in disease. Therefore, it has been classified as a Variant of Uncertain Significance.

Ambry Genetics
Classification: Uncertain significance for Hereditary cancer-predisposing syndrome. Last evaluated: 2022-06-28. Review status: criteria provided, single submitter. Criteria: Ambry Variant Classification Scheme 2023. Collection method: clinical testing. Allele origin: germline.
Comment: The p.R820S variant (also known as c.2460G>T), located in coding exon 4 of the MSH6 gene, results from a G to T substitution at nucleotide position 2460. The arginine at codon 820 is replaced by serine, an amino acid with dissimilar properties. This amino acid position is highly conserved in available vertebrate species. In addition, this alteration is predicted to be deleterious by in silico analysis. Since supporting evidence is limited at this time, the clinical significance of this alteration remains unclear.

NM_000179.3(MSH6):c.2460G>T (p.Arg820Ser)

Gene: MSH6 (mutS homolog 6; plus strand). Cytogenetic location: 2p16.3.
Variant type: single nucleotide variant.
Coding change: c.2460G>T on transcript NM_000179.3 (MANE Select); coding-DNA position 2460, G replaced by T.
Protein change: p.Arg820Ser; replaces arginine 820 with serine.
Molecular consequence: missense variant.
Genome position (GRCh38, 1-based): chr2:47,800,443, G>T. VCF-style: chr2-47800443-G-T. GRCh37 (hg19) VCF-style: chr2-48027582-G-T.
Other names: c.2070G>T, p.Arg690Ser (NM_001281492.2); c.1554G>T, p.Arg518Ser (NM_001281493.2, NM_001281494.2); short protein forms R820S, R518S, R690S.
Identifiers: ClinVar variation 486894 (VCV000486894.13), dbSNP rs1553413812, ClinGen allele CA346754089.